The following is an entry in ClinVar:

NM_017636.4(TRPM4):c.1915G>A (p.Ala639Thr)

Gene: TRPM4 (transient receptor potential cation channel subfamily M member 4; plus strand). Cytogenetic location: 19q13.33.
Variant type: single nucleotide variant.
Coding change: c.1915G>A on transcript NM_017636.4 (MANE Select); coding-DNA position 1915, G replaced by A.
Protein change: p.Ala639Thr; replaces alanine 639 with threonine.
Molecular consequence: missense variant.
Genome position (GRCh38, 1-based): chr19:49,188,987, G>A. VCF-style: chr19-49188987-G-A. GRCh37 (hg19) VCF-style: chr19-49692244-G-A.
Other names: c.1915G>A, p.Ala639Thr (NM_001195227.2); c.1570G>A, p.Ala524Thr (NM_001321281.2); c.307G>A, p.Ala103Thr (NM_001321282.2); c.1393G>A, p.Ala465Thr (NM_001321283.2); c.853G>A, p.Ala285Thr (NM_001321285.2); short protein forms A285T, A465T, A639T, A103T, A524T.
Identifiers: ClinVar variation 1390741 (VCV001390741.6), dbSNP rs2122985723, ClinGen allele CA406803752.

ClinVar aggregate classification (germline): Uncertain significance (1 of 4 stars; one submission).

Conditions:
Progressive familial heart block type IB (PFHB1B). Identifiers: Orphanet 871, MedGen C1970298, MONDO:0011474, OMIM 604559.

Submission:

Labcorp Genetics (formerly Invitae), Labcorp
Classification: Uncertain significance for Progressive familial heart block type IB. Last evaluated: 2021-11-01. Review status: criteria provided, single submitter. Criteria: Invitae Variant Classification Sherloc (09022015). Collection method: clinical testing. Allele origin: germline.
Comment: This sequence change replaces alanine, which is neutral and non-polar, with threonine, which is neutral and polar, at codon 639 of the TRPM4 protein (p.Ala639Thr). This variant is not present in population databases (gnomAD no frequency). This variant has not been reported in the literature in individuals affected with TRPM4-related conditions. Algorithms developed to predict the effect of missense changes on protein structure and function output the following: SIFT: "Tolerated"; PolyPhen-2: "Benign"; Align-GVGD: "Class C0". The threonine amino acid residue is found in multiple mammalian species, which suggests that this missense change does not adversely affect protein function. In summary, the available evidence is currently insufficient to determine the role of this variant in disease. Therefore, it has been classified as a Variant of Uncertain Significance.